The following is an entry in ClinVar:

NM_000465.4(BARD1):c.1882T>C (p.Cys628Arg)

Gene: BARD1 (BRCA1 associated RING domain 1; minus strand). Cytogenetic location: 2q35.
Variant type: single nucleotide variant.
Coding change: c.1882T>C on transcript NM_000465.4 (MANE Select); coding-DNA position 1882, T replaced by C.
Protein change: p.Cys628Arg; replaces cysteine 628 with arginine.
Molecular consequence: missense variant. On other transcripts: non-coding transcript variant (3), intron variant (1).
Genome position (GRCh38, 1-based): chr2:214,745,088, A>G on the plus strand (T>C on the coding strand, the complement: BARD1 is on the minus strand). VCF-style: chr2-214745088-A-G. GRCh37 (hg19) VCF-style: chr2-215609812-A-G.
Other names: c.1825T>C, p.Cys609Arg (NM_001282543.2); c.529T>C, p.Cys177Arg (NM_001282545.2); c.472T>C, p.Cys158Arg (NM_001282548.2); c.365-14580T>C (NM_001282549.2); short protein forms C628R, C609R, C158R, C177R.
Identifiers: ClinVar variation 489661 (VCV000489661.22), dbSNP rs140642433, ClinGen allele CA64802332.

ClinVar aggregate classification (germline): Uncertain significance. Review status: criteria provided, multiple submitters, no conflicts (2 of 4 stars). 4 submissions from 4 submitters: Uncertain significance (4). Last evaluated 2025-11-18.

Conditions:
Hereditary cancer-predisposing syndrome. Also called: Hereditary Cancer Syndrome; Neoplastic Syndromes, Hereditary; Tumor predisposition; Hereditary neoplastic syndrome. Identifiers: Orphanet 140162, MedGen C0027672, MeSH D009386, MONDO:0015356.
Familial cancer of breast. Also called: Hereditary breast cancer; BREAST CANCER, FAMILIAL; hereditary breast carcinoma. Identifiers: Orphanet 227535, MedGen C0346153, MONDO:0016419, OMIM 114480. Disease mechanism: loss of function.

Allele frequency attached by ClinVar (database versions not stated): gnomAD exomes below 0.00001; gnomAD 0.00001; TOPMed 0.00001; ESP Exome Variant Server 0.00008.
gnomAD v4.1: 6 of 1,613,844 alleles (0.00037%); highest among the groups gnomAD compares: African/African-American, 0.0053%; no homozygotes.

Submissions (4):

Ambry Genetics
Classification: Uncertain significance for Hereditary cancer-predisposing syndrome. Last evaluated: 2025-11-18. Review status: criteria provided, single submitter. Criteria: Ambry Variant Classification Scheme 2023. Collection method: clinical testing. Allele origin: germline.
Comment: The p.C628R variant (also known as c.1882T>C), located in coding exon 9 of the BARD1 gene, results from a T to C substitution at nucleotide position 1882. The cysteine at codon 628 is replaced by arginine, an amino acid with highly dissimilar properties. This variant was identified in a cohort of 3,579 African males diagnosed with prostate cancer who underwent multi-gene panel testing of 19 DNA repair and cancer predisposition genes (Matejcic M et al. JCO Precis Oncol, 2020 Jan;4:32-43). This amino acid position is highly conserved in available vertebrate species. In addition, the in silico prediction for this alteration is inconclusive. Since supporting evidence is limited at this time, the clinical significance of this alteration remains unclear.

Labcorp Genetics (formerly Invitae), Labcorp
Classification: Uncertain significance for Familial cancer of breast. Last evaluated: 2025-01-11. Review status: criteria provided, single submitter. Criteria: Invitae Variant Classification Sherloc (09022015). Collection method: clinical testing. Allele origin: germline.
Comment: This sequence change replaces cysteine, which is neutral and slightly polar, with arginine, which is basic and polar, at codon 628 of the BARD1 protein (p.Cys628Arg). This variant is present in population databases (rs140642433, gnomAD 0.006%). This variant has not been reported in the literature in individuals affected with BARD1-related conditions. ClinVar contains an entry for this variant (Variation ID: 489661). An algorithm developed to predict the effect of missense changes on protein structure and function (PolyPhen-2) suggests that this variant is likely to be disruptive. In summary, the available evidence is currently insufficient to determine the role of this variant in disease. Therefore, it has been classified as a Variant of Uncertain Significance.

Color Diagnostics, LLC DBA Color Health
Classification: Uncertain significance for Hereditary cancer-predisposing syndrome. Last evaluated: 2019-02-23. Review status: criteria provided, single submitter. Criteria: ACMG Guidelines, 2015. Collection method: clinical testing. Allele origin: germline.

Quest Diagnostics Nichols Institute San Juan Capistrano
Classification: Uncertain significance. Last evaluated: 2018-01-06. Review status: criteria provided, single submitter. Criteria: Quest Diagnostics criteria. Collection method: clinical testing. Allele origin: germline.

Literature cited by the submitters: PubMed 23056176 (cited by Ambry Genetics); PubMed 32832836 (cited by Ambry Genetics).